The following is an entry in ClinVar:

ClinVar aggregate classification (germline): Uncertain significance (1 of 4 stars; one submission).

gnomAD v4.1: 1 of 1,613,930 alleles (0.000062%); highest among the groups gnomAD compares: South Asian, 0.0011%; no homozygotes.

Submission:

GeneDx
Classification: Uncertain significance. Last evaluated: 2020-03-19. Review status: criteria provided, single submitter. Criteria: GeneDx Variant Classification Process June 2021. Collection method: clinical testing. Allele origin: germline. Affected: yes.
Comment: Not observed in large population cohorts (Lek et al., 2016); In silico analysis supports that this missense variant does not alter protein structure/function; Has not been previously published as pathogenic or benign to our knowledge

NM_003482.4(KMT2D):c.5524G>T (p.Asp1842Tyr)

Gene: KMT2D (lysine methyltransferase 2D; minus strand). Cytogenetic location: 12q13.12.
Variant type: single nucleotide variant.
Coding change: c.5524G>T on transcript NM_003482.4 (MANE Select); coding-DNA position 5524, G replaced by T.
Protein change: p.Asp1842Tyr; replaces aspartic acid 1842 with tyrosine.
Molecular consequence: missense variant.
Genome position (GRCh38, 1-based): chr12:49,043,372, C>A on the plus strand (G>T on the coding strand, the complement: KMT2D is on the minus strand). VCF-style: chr12-49043372-C-A. GRCh37 (hg19) VCF-style: chr12-49437155-C-A.
Other names: short protein forms D1842Y.
Identifiers: ClinVar variation 1310785 (VCV001310785.2), dbSNP rs1399516081, ClinGen allele CA384630544.
Genomic context (GRCh38, chr12:49,043,372, plus strand): 5'-ACAGAGGCAAGCAAGGCCAAGACAGGACACAGTAACCCCGGCAGCCCTCACCTGGTGTAT[C>A]GGCTTTGCCCTCGAGGCCACGGGATTCTTCATCTGCAATATCTGGACCATCATCTCCTAT-3'
Protein context (NP_003473.3, residues 1832-1852): EESRGLEGKA[Asp1842Tyr]TPGPEDGGVK